The following is an entry in ClinVar:

ClinVar aggregate classification (germline): Uncertain significance. Review status: criteria provided, multiple submitters, no conflicts (2 of 4 stars). 2 submissions from 2 submitters: Uncertain significance (2). Last evaluated 2024-10-02.

Conditions:
Hereditary cancer-predisposing syndrome. Also called: Neoplastic Syndromes, Hereditary; Hereditary Cancer Syndrome; Tumor predisposition; Hereditary neoplastic syndrome. Identifiers: Orphanet 140162, MedGen C0027672, MeSH D009386, MONDO:0015356.
Tuberous sclerosis 2 (TSC2). Identifiers: Orphanet 805, MedGen C1860707, MONDO:0013199, OMIM 613254.

Submissions (2):

Labcorp Genetics (formerly Invitae), Labcorp
Classification: Uncertain significance for Tuberous sclerosis 2. Last evaluated: 2024-10-02. Review status: criteria provided, single submitter. Criteria: Invitae Variant Classification Sherloc (09022015). Collection method: clinical testing. Allele origin: germline.
Comment: This sequence change replaces arginine, which is basic and polar, with threonine, which is neutral and polar, at codon 1477 of the TSC2 protein (p.Arg1477Thr). This variant is not present in population databases (gnomAD no frequency). This variant has not been reported in the literature in individuals affected with TSC2-related conditions. ClinVar contains an entry for this variant (Variation ID: 1512141). Invitae Evidence Modeling of protein sequence and biophysical properties (such as structural, functional, and spatial information, amino acid conservation, physicochemical variation, residue mobility, and thermodynamic stability) indicates that this missense variant is not expected to disrupt TSC2 protein function with a negative predictive value of 95%. In summary, the available evidence is currently insufficient to determine the role of this variant in disease. Therefore, it has been classified as a Variant of Uncertain Significance.

Ambry Genetics
Classification: Uncertain significance for Hereditary cancer-predisposing syndrome. Last evaluated: 2024-06-15. Review status: criteria provided, single submitter. Criteria: Ambry Variant Classification Scheme 2023. Collection method: clinical testing. Allele origin: germline.
Comment: The p.R1477T variant (also known as c.4430G>C), located in coding exon 33 of the TSC2 gene, results from a G to C substitution at nucleotide position 4430. The arginine at codon 1477 is replaced by threonine, an amino acid with similar properties. This amino acid position is conserved. In addition, the in silico prediction for this alteration is inconclusive. Based on the available evidence, the clinical significance of this variant remains unclear.

NM_000548.5(TSC2):c.4430G>C (p.Arg1477Thr)

Gene: TSC2 (TSC complex subunit 2; plus strand). Cytogenetic location: 16p13.3.
Variant type: single nucleotide variant.
Coding change: c.4430G>C on transcript NM_000548.5 (MANE Select); coding-DNA position 4430, G replaced by C.
Protein change: p.Arg1477Thr; replaces arginine 1477 with threonine.
Molecular consequence: missense variant.
Genome position (GRCh38, 1-based): chr16:2,084,652, G>C. VCF-style: chr16-2084652-G-C. GRCh37 (hg19) VCF-style: chr16-2134653-G-C.
Other names: c.4430G>C (NM_000548.3); c.4229G>C, p.Arg1410Thr (NM_001077183.3); c.4361G>C, p.Arg1454Thr (NM_001114382.3); c.4121G>C, p.Arg1374Thr (NM_001318827.2); c.4085G>C, p.Arg1362Thr (NM_001318829.2); c.3698G>C, p.Arg1233Thr (NM_001318831.2); c.4262G>C, p.Arg1421Thr (NM_001318832.2); c.4232G>C, p.Arg1411Thr (NM_001363528.2); and 2 more; short protein forms R1410T, R1421T, R1434T, R1454T, R1433T, R1362T, R1374T, R1233T.
Identifiers: ClinVar variation 1512141 (VCV001512141.9), dbSNP rs752693719, ClinGen allele CA394302227.